The following is an entry in ClinVar:

NM_001905.4(CTPS1):c.1390A>C (p.Met464Leu)

Genes: CTPS1 (CTP synthase 1; plus strand), LOC126805717 (MED14-independent group 3 enhancer GRCh37_chr1:41472557-41473756; plus strand). Cytogenetic location: 1p34.2.
Variant type: single nucleotide variant.
Coding change: c.1390A>C on transcript NM_001905.4 (MANE Select); coding-DNA position 1390, A replaced by C.
Protein change: p.Met464Leu; replaces methionine 464 with leucine.
Molecular consequence: missense variant. On other transcripts: non-coding transcript variant (1).
Genome position (GRCh38, 1-based): chr1:41,007,542, A>C. VCF-style: chr1-41007542-A-C. GRCh37 (hg19) VCF-style: chr1-41473214-A-C.
Other names: c.922A>C, p.Met308Leu (NM_001301237.2); short protein forms M308L, M464L.
Identifiers: ClinVar variation 2161684 (VCV002161684.2), dbSNP rs969669837, ClinGen allele CA21149997.

ClinVar aggregate classification (germline): Uncertain significance (1 of 4 stars; one submission).

Conditions:
Combined immunodeficiency due to CTPS1 deficiency. Also called: Severe combined immunodeficiency due to CTPS1 deficiency; Immunodeficiency 24. Identifiers: Orphanet 420573, MedGen C4014617, MONDO:0014391, OMIM 615897.

gnomAD v4.1: 11 of 1,613,480 alleles (0.00068%); highest among the groups gnomAD compares: East Asian, 0.0022%; no homozygotes.

Submission:

Labcorp Genetics (formerly Invitae), Labcorp
Classification: Uncertain significance for Combined immunodeficiency due to CTPS1 deficiency. Last evaluated: 2023-04-06. Review status: criteria provided, single submitter. Criteria: Invitae Variant Classification Sherloc (09022015). Collection method: clinical testing. Allele origin: germline.
Comment: Algorithms developed to predict the effect of missense changes on protein structure and function output the following: SIFT: "Not Available"; PolyPhen-2: "Benign"; Align-GVGD: "Not Available". The leucine amino acid residue is found in multiple mammalian species, which suggests that this missense change does not adversely affect protein function. ClinVar contains an entry for this variant (Variation ID: 2161684). This variant has not been reported in the literature in individuals affected with CTPS1-related conditions. This variant is present in population databases (no rsID available, gnomAD 0.0009%). This sequence change replaces methionine, which is neutral and non-polar, with leucine, which is neutral and non-polar, at codon 464 of the CTPS1 protein (p.Met464Leu). In summary, the available evidence is currently insufficient to determine the role of this variant in disease. Therefore, it has been classified as a Variant of Uncertain Significance.